The following is an entry in ClinVar:

ClinVar aggregate classification (germline): Benign/Likely benign. Review status: criteria provided, multiple submitters, no conflicts (2 of 4 stars). 3 submissions from 3 submitters: Benign (2); Likely benign (1). Last evaluated 2026-02-04.

Conditions:
Familial cold autoinflammatory syndrome 3 (FCAS3). Also called: FAMILIAL ATYPICAL COLD URTICARIA; ANTIBODY DEFICIENCY AND IMMUNE DYSREGULATION, PLCG2-ASSOCIATED. Identifiers: Orphanet 300359, MedGen C3280914, MONDO:0013766, OMIM 614468.

Allele frequency attached by ClinVar (database versions not stated): gnomAD 0.00041 and 0.00046; TOPMed 0.00053; gnomAD exomes 0.00105; ExAC 0.00112; 1000 Genomes Project 30x 0.00172; 1000 Genomes Project 0.00180.
gnomAD v4.1: 508 of 1,594,418 alleles (0.032%); highest among the groups gnomAD compares: East Asian, 0.76%; 4 homozygotes.

Submissions (3):

Labcorp Genetics (formerly Invitae), Labcorp
Classification: Benign for Familial cold autoinflammatory syndrome 3. Last evaluated: 2026-02-04. Review status: criteria provided, single submitter. Criteria: Invitae Variant Classification Sherloc (09022015). Collection method: clinical testing. Allele origin: germline.

CeGaT Center for Human Genetics Tuebingen
Classification: Benign. Last evaluated: 2026-01-01. Review status: criteria provided, single submitter. Criteria: CeGaT Center For Human Genetics Tuebingen Variant Classification Criteria Version 2. Collection method: clinical testing. Allele origin: germline. Affected: yes. Observed: 1 variant allele.
Comment: PLCG2: BP4, BS1, BS2

Blueprint Genetics
Classification: Likely benign. Last evaluated: 2024-10-22. Review status: criteria provided, single submitter. Criteria: ACMG Guidelines, 2015. Collection method: clinical testing. Allele origin: germline.

NM_002661.5(PLCG2):c.579C>G (p.His193Gln)

Gene: PLCG2 (phospholipase C gamma 2; plus strand). Cytogenetic location: 16q23.3.
Variant type: single nucleotide variant.
Coding change: c.579C>G on transcript NM_002661.5 (MANE Select); coding-DNA position 579, C replaced by G.
Protein change: p.His193Gln; replaces histidine 193 with glutamine.
Molecular consequence: missense variant.
Genome position (GRCh38, 1-based): chr16:81,870,866, C>G. VCF-style: chr16-81870866-C-G. GRCh37 (hg19) VCF-style: chr16-81904471-C-G.
Other names: short protein forms H193Q.
Identifiers: ClinVar variation 540119 (VCV000540119.17), dbSNP rs201080992, ClinGen allele CA8193306.